The following is an entry in ClinVar:

NM_001369268.1(ACAN):c.7670G>A (p.Arg2557Gln)

Gene: ACAN (aggrecan; plus strand). Cytogenetic location: 15q26.1.
Variant type: single nucleotide variant.
Coding change: c.7670G>A on transcript NM_001369268.1 (MANE Select); coding-DNA position 7670, G replaced by A.
Protein change: p.Arg2557Gln; replaces arginine 2557 with glutamine.
Molecular consequence: missense variant.
Genome position (GRCh38, 1-based): chr15:88,874,444, G>A. VCF-style: chr15-88874444-G-A. GRCh37 (hg19) VCF-style: chr15-89417675-G-A.
Other names: c.7259G>A, p.Arg2420Gln (NM_001135.4); c.7442G>A, p.Arg2481Gln (NM_001411096.1); c.7556G>A, p.Arg2519Gln (NM_001411097.1, NM_013227.4); short protein forms R2481Q, R2519Q, R2420Q, R2557Q.
Identifiers: ClinVar variation 1908049 (VCV001908049.5), dbSNP rs377398069, ClinGen allele CA7720787.

ClinVar aggregate classification (germline): Uncertain significance (1 of 4 stars; one submission).

Allele frequency attached by ClinVar (database versions not stated): gnomAD 0.00003; ExAC 0.00008; ESP Exome Variant Server 0.00008.
gnomAD v4.1: 47 of 1,606,948 alleles (0.0029%); highest among the groups gnomAD compares: Non-Finnish European, 0.0036%; no homozygotes.

Submission:

Labcorp Genetics (formerly Invitae), Labcorp
Classification: Uncertain significance. Last evaluated: 2025-03-05. Review status: criteria provided, single submitter. Criteria: Invitae Variant Classification Sherloc (09022015). Collection method: clinical testing. Allele origin: germline.
Comment: This sequence change replaces arginine, which is basic and polar, with glutamine, which is neutral and polar, at codon 2519 of the ACAN protein (p.Arg2519Gln). The frequency data for this variant in the population databases is considered unreliable, as metrics indicate poor data quality at this position in the gnomAD database. This variant has not been reported in the literature in individuals affected with ACAN-related conditions. ClinVar contains an entry for this variant (Variation ID: 1908049). An algorithm developed to predict the effect of missense changes on protein structure and function outputs the following: PolyPhen-2: "Benign". The glutamine amino acid residue is found in multiple mammalian species, which suggests that this missense change does not adversely affect protein function. In summary, the available evidence is currently insufficient to determine the role of this variant in disease. Therefore, it has been classified as a Variant of Uncertain Significance.